The following is an entry in ClinVar:

ClinVar aggregate classification (germline): no classifications from unflagged records (0 of 4 stars; one submission).

Submission:

Illumina Laboratory Services, Illumina
Classification: Uncertain significance. Last evaluated: 2020-10-19. Review status: flagged submission. Criteria: ICSL CNVClassificationCriteria Aug2020. Collection method: clinical testing. Allele origin: unknown.
ClinVar note: Notes: This submission was flagged because its interpretation of this variant conflicts with the ClinGen Gene Dosage Map curation for the gene TMEM127.
ClinVar note: Reason: Conflict with ClinGen Gene Dosage Map

GRCh37/hg19 2q11.1-11.2(chr2:96555654-98024790)x1

Genes: ADRA2B (adrenoceptor alpha 2B; minus strand), ANKRD23 (ankyrin repeat domain 23; minus strand), ANKRD36 (ankyrin repeat domain 36; plus strand), ANKRD36C (ankyrin repeat domain 36C; minus strand), ANKRD39 (ankyrin repeat domain 39; minus strand) and 18 more. Cytogenetic location: 2q11.1-11.2.
Variant type: copy number loss.
Change: copy number 1 (one copy instead of two) of chr2:96,555,654-98,024,790 (1.47 Mb, GRCh37 coordinates, 1-based), cytogenetic band 2q11.1-11.2.
Identifiers: ClinVar variation 3242291 (VCV003242291.1).